The following is an entry in ClinVar:

NM_032447.5(FBN3):c.2767G>A (p.Glu923Lys)

Gene: FBN3 (fibrillin 3; minus strand). Cytogenetic location: 19p13.2.
Variant type: single nucleotide variant.
Coding change: c.2767G>A on transcript NM_032447.5 (MANE Select); coding-DNA position 2767, G replaced by A.
Protein change: p.Glu923Lys; replaces glutamic acid 923 with lysine.
Molecular consequence: missense variant.
Genome position (GRCh38, 1-based): chr19:8,123,973, C>T on the plus strand (G>A on the coding strand, the complement: FBN3 is on the minus strand). VCF-style: chr19-8123973-C-T. GRCh37 (hg19) VCF-style: chr19-8188857-C-T.
Other names: c.2767G>A, p.Glu923Lys (NM_001321431.2); c.2767G>A (NM_032447.3); short protein forms E923K.
Identifiers: ClinVar variation 1353028 (VCV001353028.9), dbSNP rs150504721, ClinGen allele CA9152715.
Genomic context (GRCh38, chr19:8,123,973, plus strand): 5'-TGGAGCAGCAGCAGACGTCCATCCGGTACTTGCCAGGCAGGGTGACCCCACACTCATCCT[C>T]ATCCCATCGCAGGAAACATGGTTCCAATCTCACATCTGCACGGGGGACAGTCACTGCGTC-3'
Protein context (NP_115823.3, residues 913-933): RLEPCFLRWD[Glu923Lys]DECGVTLPGK

ClinVar aggregate classification (germline): Uncertain significance. Review status: criteria provided, multiple submitters, no conflicts (2 of 4 stars). 2 submissions from 2 submitters: Uncertain significance (2). Last evaluated 2025-10-14.

Allele frequency attached by ClinVar (database versions not stated): gnomAD exomes 0.00007 and 0.00016; ESP Exome Variant Server 0.00008; ExAC 0.00020; gnomAD 0.00020 and 0.00021; TOPMed 0.00024.

Submissions (2):

Labcorp Genetics (formerly Invitae), Labcorp
Classification: Uncertain significance. Last evaluated: 2025-10-14. Review status: criteria provided, single submitter. Criteria: Invitae Variant Classification Sherloc (09022015). Collection method: clinical testing. Allele origin: germline.
Comment: This sequence change replaces glutamic acid, which is acidic and polar, with lysine, which is basic and polar, at codon 923 of the FBN3 protein (p.Glu923Lys). This variant is present in population databases (rs150504721, gnomAD 0.2%), and has an allele count higher than expected for a pathogenic variant. This variant has not been reported in the literature in individuals affected with FBN3-related conditions. ClinVar contains an entry for this variant (Variation ID: 1353028). Invitae Evidence Modeling of protein sequence and biophysical properties (such as structural, functional, and spatial information, amino acid conservation, physicochemical variation, residue mobility, and thermodynamic stability) indicates that this missense variant is not expected to disrupt FBN3 protein function with a negative predictive value of 80%. In summary, the available evidence is currently insufficient to determine the role of this variant in disease. Therefore, it has been classified as a Variant of Uncertain Significance.

Ambry Genetics
Classification: Uncertain significance. Last evaluated: 2025-08-13. Review status: criteria provided, single submitter. Criteria: Ambry Variant Classification Scheme 2023. Collection method: clinical testing. Allele origin: germline.